The following is an entry in ClinVar:

ClinVar aggregate classification (germline): Uncertain significance (1 of 4 stars; one submission).

Conditions:
Episodic ataxia type 2 (EA2). Also called: CEREBELLAR ATAXIA, PAROXYSMAL, ACETAZOLAMIDE-RESPONSIVE; CEREBELLOPATHY, HEREDITARY PAROXYSMAL; EPISODIC ATAXIA, NYSTAGMUS-ASSOCIATED; ACETAZOLAMIDE-RESPONSIVE HEREDITARY PAROXYSMAL CEREBELLAR ATAXIA; ATAXIA, EPISODIC, WITH NYSTAGMUS; ATAXIA, FAMILIAL PAROXYSMAL. Identifiers: Orphanet 97, MedGen C1720416, MONDO:0007163, OMIM 108500.
Developmental and epileptic encephalopathy, 42 (DEE42A). Also called: Epileptic encephalopathy, early infantile, 42; DEVELOPMENTAL AND EPILEPTIC ENCEPHALOPATHY 42A; EPILEPTIC ENCEPHALOPATHY, EARLY INFANTILE, 42A. Identifiers: MedGen C4310716, MONDO:0014917, OMIM 617106.

Submission:

Labcorp Genetics (formerly Invitae), Labcorp
Classification: Uncertain significance for Developmental and epileptic encephalopathy, 42; Episodic ataxia type 2. Last evaluated: 2023-11-12. Review status: criteria provided, single submitter. Criteria: Invitae Variant Classification Sherloc (09022015). Collection method: clinical testing. Allele origin: germline.
Comment: This variant, c.174_176del, results in the deletion of 1 amino acid(s) of the CACNA1A protein (p.Met59del), but otherwise preserves the integrity of the reading frame. This variant is not present in population databases (gnomAD no frequency). This variant has not been reported in the literature in individuals affected with CACNA1A-related conditions. Experimental studies and prediction algorithms are not available or were not evaluated, and the functional significance of this variant is currently unknown. In summary, the available evidence is currently insufficient to determine the role of this variant in disease. Therefore, it has been classified as a Variant of Uncertain Significance.

NM_001127222.2(CACNA1A):c.174_176del (p.Met59del)

Gene: CACNA1A (calcium voltage-gated channel subunit alpha1 A; minus strand). Cytogenetic location: 19p13.13.
Variant type: Deletion.
Coding change: c.174_176del on transcript NM_001127222.2 (MANE Select); coding-DNA positions 174 to 176, 3 bases deleted (CAT; older notation c.174_176delCAT).
Protein change: p.Met59del; deletes methionine 59.
Molecular consequence: inframe deletion.
Genome position (GRCh38, 1-based): chr19:13,506,049-13,506,051, ATG deleted on the plus strand (CAT on the coding strand, the reverse complement: CACNA1A is on the minus strand). VCF-style (leftmost placement, unchanged base first): chr19-13506048-CATG-C. GRCh37 (hg19) VCF-style: chr19-13616862-CATG-C.
Other names: c.174_176del, p.Met59del (NM_000068.4, NM_001127221.2, NM_001174080.2 and 1 more transcripts); short protein forms M59del.
Identifiers: ClinVar variation 2953327 (VCV002953327.3), dbSNP rs2513709089, ClinGen allele CA2740091966.